The following is an entry in ClinVar:

NM_006514.4(SCN10A):c.884-3C>G

Gene: SCN10A (sodium voltage-gated channel alpha subunit 10; minus strand). Cytogenetic location: 3p22.2.
Variant type: single nucleotide variant.
Coding change: c.884-3C>G on transcript NM_006514.4 (MANE Select); 3 bases into the intron before coding-DNA position 884, C replaced by G.
Molecular consequence: intron variant.
Genome position (GRCh38, 1-based): chr3:38,760,750, G>C on the plus strand (C>G on the coding strand, the complement: SCN10A is on the minus strand). VCF-style: chr3-38760750-G-C. GRCh37 (hg19) VCF-style: chr3-38802241-G-C.
Other names: c.884-3C>G (NM_001293307.2, NM_001293306.2).
Identifiers: ClinVar variation 1764861 (VCV001764861.2), dbSNP rs2470805791, ClinGen allele CA2580069836.
Genomic context (GRCh38, chr3:38,760,750, plus strand): 5'-GATCCATTGCCACACAGTAAGGGGTCAGAAGTGCCTCGCTTATTTATGTAGATATCTGCT[G>C]AAGAAAGGAAGAAAAGAAAGCCTCACAGATGGTTCTGAACCCTCCAACCCAAGCCTTGTG-3'

ClinVar aggregate classification (germline): Uncertain significance (1 of 4 stars; one submission).

Conditions:
Cardiovascular phenotype. Identifiers: MedGen CN230736.

Allele frequency attached by ClinVar (database versions not stated): gnomAD exomes below 0.00001.

Submission:

Ambry Genetics
Classification: Uncertain significance for Cardiovascular phenotype. Last evaluated: 2022-10-07. Review status: criteria provided, single submitter. Criteria: Ambry Variant Classification Scheme 2023. Collection method: clinical testing. Allele origin: germline.
Comment: The c.884-3C>G intronic variant results from a C to G substitution 3 nucleotides upstream from coding exon 7 in the SCN10A gene. This nucleotide position is poorly conserved in available vertebrate species. In silico splice site analysis predicts that this alteration will weaken the native splice acceptor site. The evidence for this gene-disease relationship is limited; therefore, the clinical significance of this alteration is unclear.